The following is an entry in ClinVar:

NM_002519.3(NPAT):c.1369G>A (p.Gly457Arg)

Gene: NPAT (nuclear protein, coactivator of histone transcription; minus strand). Cytogenetic location: 11q22.3.
Variant type: single nucleotide variant.
Coding change: c.1369G>A on transcript NM_002519.3 (MANE Select); coding-DNA position 1369, G replaced by A.
Protein change: p.Gly457Arg; replaces glycine 457 with arginine.
Molecular consequence: missense variant.
Genome position (GRCh38, 1-based): chr11:108,173,615, C>T on the plus strand (G>A on the coding strand, the complement: NPAT is on the minus strand). VCF-style: chr11-108173615-C-T. GRCh37 (hg19) VCF-style: chr11-108044342-C-T.
Other names: c.1369G>A, p.Gly457Arg (NM_001321307.1); short protein forms G457R.
Identifiers: ClinVar variation 1770998 (VCV001770998.2), dbSNP rs1372468255, ClinGen allele CA382515456.

ClinVar aggregate classification (germline): Uncertain significance (1 of 4 stars; one submission).

Submission:

Ambry Genetics
Classification: Uncertain significance. Last evaluated: 2022-05-26. Review status: criteria provided, single submitter. Criteria: Ambry Variant Classification Scheme 2023. Collection method: clinical testing. Allele origin: germline.
Comment: The p.G457R variant (also known as c.1369G>A), located in coding exon 13 of the NPAT gene, results from a G to A substitution at nucleotide position 1369. The glycine at codon 457 is replaced by arginine, an amino acid with dissimilar properties. This amino acid position is conserved. In addition, this alteration is predicted to be tolerated by in silico analysis. Since supporting evidence is limited at this time, the clinical significance of this alteration remains unclear.